The following is an entry in ClinVar:

NM_000159.4(GCDH):c.533G>A (p.Gly178Glu)

Gene: GCDH (glutaryl-CoA dehydrogenase; plus strand). Cytogenetic location: 19p13.13.
Variant type: single nucleotide variant.
Coding change: c.533G>A on transcript NM_000159.4 (MANE Select); coding-DNA position 533, G replaced by A.
Protein change: p.Gly178Glu; replaces glycine 178 with glutamic acid.
Molecular consequence: missense variant. On other transcripts: non-coding transcript variant (2).
Genome position (GRCh38, 1-based): chr19:12,896,019, G>A. VCF-style: chr19-12896019-G-A. GRCh37 (hg19) VCF-style: chr19-13006833-G-A.
Other names: c.533G>A, p.Gly178Glu (NM_013976.5); short protein forms G178E.
Identifiers: ClinVar variation 189012 (VCV000189012.20), dbSNP rs786204627, ClinGen allele CA274254.

ClinVar aggregate classification (germline): Pathogenic/Likely pathogenic. Review status: criteria provided, multiple submitters, no conflicts (2 of 4 stars). 6 submissions from 6 submitters: Pathogenic (3); Likely pathogenic (2). 1 of the submissions does not count toward it. Last evaluated 2025-04-11.

Conditions:
Glutaric aciduria, type 1. Also called: Glutaric acidemia type I; Glutaricacidemia Type 1; Glutaryl-CoA dehydrogenase deficiency; Glutaricaciduria, type I; Glutaric Acidemia Type 1; GA I. Identifiers: Orphanet 25, MedGen C0268595, MONDO:0009281, OMIM 231670.

Allele frequency attached by ClinVar (database versions not stated): TOPMed below 0.00001.

Submissions (6):

Natera, Inc.
Classification: Pathogenic for Glutaric acidemia type 1. Last evaluated: 2025-04-11. Review status: criteria provided, single submitter. Criteria: Natera Variant Classification Schema (03/2026). Collection method: clinical testing. Allele origin: germline.
Comment: The c.533G>A variant in GCDH is a missense variant predicted to cause substitution of glycine to glutamic acid at amino acid 178. This variant is rare in the general population with a frequency below the threshold expected for the associated phenotype(s). This variant has been observed in one or more individuals affected with the associated recessive disease, as either homozygous or compound heterozygous with a second variant (PMID: 37020324, 34344405, 24332224, 18285246). A different variant at the same position has been determined to be Pathogenic or Likely Pathogenic. Computational prediction algorithms indicate this variant is likely to affect gene or protein function. Given the available evidence, this variant is classified as Pathogenic.

Fulgent Genetics
Classification: Likely pathogenic for Glutaric aciduria, type 1. Last evaluated: 2024-04-30. Review status: criteria provided, single submitter. Criteria: ACMG Guidelines, 2015. Collection method: clinical testing. Allele origin: germline.

Labcorp Genetics (formerly Invitae), Labcorp
Classification: Pathogenic for Glutaric aciduria, type 1. Last evaluated: 2023-12-30. Review status: criteria provided, single submitter. Criteria: Invitae Variant Classification Sherloc (09022015). Collection method: clinical testing. Allele origin: germline.
Comment: This sequence change replaces glycine, which is neutral and non-polar, with glutamic acid, which is acidic and polar, at codon 178 of the GCDH protein (p.Gly178Glu). This variant is not present in population databases (gnomAD no frequency). This missense change has been observed in individual(s) with glutaric acidemia, type I (PMID: 23104440, 24332224, 26656312, 29419857). ClinVar contains an entry for this variant (Variation ID: 189012). Advanced modeling of protein sequence and biophysical properties (such as structural, functional, and spatial information, amino acid conservation, physicochemical variation, residue mobility, and thermodynamic stability) performed at Invitae indicates that this missense variant is expected to disrupt GCDH protein function with a positive predictive value of 80%. This variant disrupts the p.Gly178 amino acid residue in GCDH. Other variant(s) that disrupt this residue have been determined to be pathogenic (PMID: 8900227, 11073722, 21176883, 28352331; Invitae). This suggests that this residue is clinically significant, and that variants that disrupt this residue are likely to be disease-causing. For these reasons, this variant has been classified as Pathogenic.

Juno Genomics, Hangzhou Juno Genomics, Inc
Classification: Pathogenic for Glutaric aciduria, type 1. Review status: criteria provided, single submitter. Criteria: ACMG Guidelines, 2015. Collection method: clinical testing. Allele origin: germline. Affected: yes.
Comment: Absent from controls (or at extremely low frequency if recessive) in Genome Aggregation Database, Exome Sequencing Project, 1000 Genomes Project, or Exome Aggregation Consortium.;Multiple lines of computational evidence support a deleterious effect on the gene or gene product (conservation, evolutionary, splicing impact, etc).;Novel missense change at an amino acid residue where a different missense change determined to be pathogenic has been seen before.;For recessive disorders, detected in trans with a pathogenic variant.

TIDEX, University of British Columbia
Classification: Likely pathogenic for Glutaric aciduria, type 1. Review status: criteria provided, single submitter. Criteria: ACMG Guidelines, 2015. Collection method: research. Allele origin: unknown. Inheritance: Autosomal recessive inheritance. Affected: yes.

Counsyl
Classification: Likely pathogenic for Glutaric aciduria, type 1. Last evaluated: 2014-10-14. Review status: no assertion criteria provided. Collection method: literature only. Allele origin: unknown. Inheritance: Autosomal recessive inheritance. Not counted in ClinVar's aggregate classification.

Literature cited by the submitters: PubMed 37020324 (cited by Natera, Inc.); PubMed 34344405 (cited by Natera, Inc.); PubMed 24332224 (cited by 3 submitters); PubMed 18285246 (cited by Natera, Inc.); PubMed 23104440 (cited by Labcorp Genetics (formerly Invitae), Labcorp and Counsyl); PubMed 26656312 (cited by Labcorp Genetics (formerly Invitae), Labcorp); PubMed 29419857 (cited by Labcorp Genetics (formerly Invitae), Labcorp); PubMed 8900227 (cited by Labcorp Genetics (formerly Invitae), Labcorp and Counsyl); PubMed 11073722 (cited by Labcorp Genetics (formerly Invitae), Labcorp); PubMed 21176883 (cited by Labcorp Genetics (formerly Invitae), Labcorp); PubMed 28352331 (cited by Labcorp Genetics (formerly Invitae), Labcorp); PubMed 20960650 (cited by Counsyl).